The following is an entry in ClinVar:

NM_001077.4(UGT2B17):c.297T>C (p.Tyr99=)

Gene: UGT2B17 (UDP glucuronosyltransferase family 2 member B17; minus strand). Cytogenetic location: 4q13.2.
Variant type: single nucleotide variant.
Coding change: c.297T>C on transcript NM_001077.4 (MANE Select); coding-DNA position 297, T replaced by C.
Protein change: p.Tyr99=; no amino-acid change (tyrosine 99 retained).
Molecular consequence: synonymous variant.
Genome position (GRCh38, 1-based): chr4:68,568,188, A>G on the plus strand (T>C on the coding strand, the complement: UGT2B17 is on the minus strand). VCF-style: chr4-68568188-A-G. GRCh37 (hg19) VCF-style: chr4-69433906-A-G.
Identifiers: ClinVar variation 3044257 (VCV003044257.2), dbSNP rs369617587, ClinGen allele CA2942278.

ClinVar aggregate classification (germline): Likely benign (0 of 4 stars; one submission).

Conditions:
UGT2B17-related disorder. Also called: UGT2B17-related condition.

Allele frequency attached by ClinVar (database versions not stated): ExAC 0.00003; gnomAD exomes 0.00003; ESP Exome Variant Server 0.00017.
gnomAD v4.1: 57 of 1,377,896 alleles (0.0041%); highest among the groups gnomAD compares: African/African-American, 0.034%; 16 homozygotes.

Submission:

PreventionGenetics, part of Exact Sciences
Classification: Likely benign for UGT2B17-related condition. Last evaluated: 2019-06-03. Review status: no assertion criteria provided. Collection method: clinical testing. Allele origin: germline.
Comment: This variant is classified as likely benign based on ACMG/AMP sequence variant interpretation guidelines (Richards et al. 2015 PMID: 25741868, with internal and published modifications).